The following is an entry in ClinVar:

ClinVar aggregate classification (germline): Likely benign (1 of 4 stars; one submission).

Submission:

CeGaT Center for Human Genetics Tuebingen
Classification: Likely benign. Last evaluated: 2025-02-01. Review status: criteria provided, single submitter. Criteria: CeGaT Center For Human Genetics Tuebingen Variant Classification Criteria Version 2. Collection method: clinical testing. Allele origin: germline. Affected: yes. Observed: 1 variant allele.
Comment: SLC26A10P: BP4

NM_001478.5(B4GALNT1):c.*1139G>A

Gene: B4GALNT1 (beta-1,4-N-acetyl-galactosaminyltransferase 1; minus strand). Cytogenetic location: 12q13.3.
Variant type: single nucleotide variant.
Coding change: c.*1139G>A on transcript NM_001478.5 (MANE Select); 1139 bases downstream of the stop codon, G replaced by A.
Molecular consequence: 3 prime UTR variant. On other transcripts: non-coding transcript variant (2).
Genome position (GRCh38, 1-based): chr12:57,625,605, C>T on the plus strand (G>A on the coding strand, the complement: B4GALNT1 is on the minus strand). VCF-style: chr12-57625605-C-T. GRCh37 (hg19) VCF-style: chr12-58019388-C-T.
Other names: c.*1139G>A (NM_001276468.2, NM_001413967.1, NM_001413968.1 and 12 more transcripts).
Identifiers: ClinVar variation 3770729 (VCV003770729.13).